The following is an entry in ClinVar:

NM_006060.6(IKZF1):c.505G>A (p.Gly169Arg)

Gene: IKZF1 (IKAROS family zinc finger 1; plus strand). Cytogenetic location: 7p12.2.
Variant type: single nucleotide variant.
Coding change: c.505G>A on transcript NM_006060.6 (MANE Select); coding-DNA position 505, G replaced by A.
Protein change: p.Gly169Arg; replaces glycine 169 with arginine.
Molecular consequence: missense variant. On other transcripts: intron variant (6).
Genome position (GRCh38, 1-based): chr7:50,382,623, G>A. VCF-style: chr7-50382623-G-A. GRCh37 (hg19) VCF-style: chr7-50450321-G-A.
Other names: c.505G>A, p.Gly169Arg (NM_001220765.3, NM_001220768.2, NM_001291837.2); c.244G>A, p.Gly82Arg (NM_001220767.2, NM_001220770.2, NM_001291838.2 and 1 more transcripts); c.565G>A, p.Gly189Arg (NM_001410879.1); c.421+5830G>A (NM_001220771.2); c.161-4722G>A (NM_001291841.1, NM_001291842.1); c.161-9106G>A (NM_001291843.1, NM_001291844.1); c.161-17295G>A (NM_001291840.1); short protein forms G82R, G189R, G169R.
Identifiers: ClinVar variation 2859818 (VCV002859818.3), dbSNP rs2153477703, ClinGen allele CA367531013.

ClinVar aggregate classification (germline): Uncertain significance (1 of 4 stars; one submission).

Allele frequency attached by ClinVar (database versions not stated): gnomAD exomes below 0.00001.
gnomAD v4.1: 2 of 1,613,498 alleles (0.00012%); highest among the groups gnomAD compares: Non-Finnish European, 0.00017%; no homozygotes.

Submission:

Labcorp Genetics (formerly Invitae), Labcorp
Classification: Uncertain significance. Last evaluated: 2023-04-27. Review status: criteria provided, single submitter. Criteria: Invitae Variant Classification Sherloc (09022015). Collection method: clinical testing. Allele origin: germline.
Comment: This sequence change replaces glycine, which is neutral and non-polar, with arginine, which is basic and polar, at codon 169 of the IKZF1 protein (p.Gly169Arg). In summary, the available evidence is currently insufficient to determine the role of this variant in disease. Therefore, it has been classified as a Variant of Uncertain Significance. An algorithm developed to predict the effect of missense changes on protein structure and function (PolyPhen-2) suggests that this variant is likely to be disruptive. This variant has not been reported in the literature in individuals affected with IKZF1-related conditions. This variant is not present in population databases (gnomAD no frequency).